The following is an entry in ClinVar:

ClinVar aggregate classification (germline): Conflicting classifications of pathogenicity. Review status: criteria provided, conflicting classifications (1 of 4 stars). 2 submissions from 2 submitters: Uncertain significance (1); Likely benign (1). Last evaluated 2025-10-01.

Conditions:
Arrhythmogenic cardiomyopathy with wooly hair and keratoderma. Also called: PALMOPLANTAR KERATODERMA WITH LEFT VENTRICULAR CARDIOMYOPATHY AND WOOLLY HAIR; Carvajal syndrome; Dilated cardiomyopathy with woolly hair and keratoderma; Arrhythmogenic cardiomyopathy with woolly hair and keratoderma. Identifiers: Orphanet 65282, MedGen C1854063, MONDO:0011581, OMIM 605676.
Arrhythmogenic right ventricular dysplasia 8 (ARVD8). Also called: Arrhythmogenic Right Ventricular Dysplasia/Cardiomyopathy 8; ARRHYTHMOGENIC RIGHT VENTRICULAR DYSPLASIA, FAMILIAL, 8; ARRHYTHMOGENIC RIGHT VENTRICULAR CARDIOMYOPATHY 8. Identifiers: MedGen C1843896, MONDO:0011831, OMIM 607450.

gnomAD v4.1: 4 of 1,599,324 alleles (0.00025%); highest among the groups gnomAD compares: Admixed American, 0.0017%; no homozygotes.

Submissions (2):

Labcorp Genetics (formerly Invitae), Labcorp
Classification: Likely benign for Arrhythmogenic cardiomyopathy with wooly hair and keratoderma; Arrhythmogenic right ventricular dysplasia 8. Last evaluated: 2025-10-01. Review status: criteria provided, single submitter. Criteria: Invitae Variant Classification Sherloc (09022015). Collection method: clinical testing. Allele origin: germline.

CeGaT Center for Human Genetics Tuebingen
Classification: Uncertain significance. Last evaluated: 2023-01-01. Review status: criteria provided, single submitter. Criteria: CeGaT Center For Human Genetics Tuebingen Variant Classification Criteria Version 2. Collection method: clinical testing. Allele origin: germline. Affected: yes. Observed: 1 variant allele.
Comment: DSP: PM2

NM_004415.4(DSP):c.82T>C (p.Tyr28His)

Genes: DSP (desmoplakin; plus strand), DSP-AS1 (DSP antisense RNA 1; minus strand). Cytogenetic location: 6p24.3.
Variant type: single nucleotide variant.
Coding change: c.82T>C on transcript NM_004415.4 (MANE Select); coding-DNA position 82, T replaced by C.
Protein change: p.Tyr28His; replaces tyrosine 28 with histidine.
Molecular consequence: missense variant.
Genome position (GRCh38, 1-based): chr6:7,541,997, T>C. VCF-style: chr6-7541997-T-C. GRCh37 (hg19) VCF-style: chr6-7542230-T-C.
Other names: c.82T>C, p.Tyr28His (NM_001008844.3, NM_001319034.2, NM_001406591.1); short protein forms Y28H.
Identifiers: ClinVar variation 2656209 (VCV002656209.26), dbSNP rs766454930, ClinGen allele CA362675721.